The following is an entry in ClinVar:

ClinVar aggregate classification (germline): Pathogenic (1 of 4 stars; one submission).

Conditions:
Microcephaly 5, primary, autosomal recessive (MCPH5). Also called: ASPM Primary Microcephaly. Identifiers: Orphanet 2512, MedGen C1837501, MONDO:0012106, OMIM 608716.

Submission:

Daryl Scott Lab, Baylor College of Medicine
Classification: Pathogenic for Microcephaly 5, primary, autosomal recessive. Last evaluated: 2025-08-25. Review status: criteria provided, single submitter. Criteria: ACMG Guidelines, 2015. Collection method: clinical testing. Allele origin: maternal. Affected: yes. Observed: 1 compound heterozygote.
Comment: PVS1, PM2, PM3

NM_018136.5(ASPM):c.6046_6049del (p.Leu2016fs)

Gene: ASPM (assembly factor for spindle microtubules; minus strand). Cytogenetic location: 1q31.3.
Variant type: Deletion.
Coding change: c.6046_6049del on transcript NM_018136.5 (MANE Select); coding-DNA positions 6046 to 6049, 4 bases deleted (TTAT; older notation c.6046_6049delTTAT).
Protein change: p.Leu2016fs; shifts the reading frame from leucine 2016.
Molecular consequence: frameshift variant. On other transcripts: intron variant (1).
Genome position (GRCh38, 1-based): chr1:197,103,202-197,103,205, ATAA deleted on the plus strand (TTAT on the coding strand, the reverse complement: ASPM is on the minus strand); deleting any 4 consecutive bases within chr1:197,103,202-197,103,207 gives the same sequence; the c. name uses the placement nearest the transcript's 3' end. VCF-style (leftmost placement, unchanged base first): chr1-197103201-TATAA-T. GRCh37 (hg19) VCF-style: chr1-197072331-TATAA-T.
Other names: c.4066-7041_4066-7038del (NM_001206846.2); short protein forms L2016fs.
Identifiers: ClinVar variation 4279685 (VCV004279685.1).
Genomic context (GRCh38, chr1:197,103,201, plus strand): 5'-CTCACTTTCATACCACGATAAGCTGACTGTAAAGTTACTACAGCTGCTTTTGTTTTCAAA[TATAA>T]ATGATTCTGTTCTCTTCCAATACTGTAAGCCCTATAATACTTTTGAATCAGAAGAGCAGC-3'